The following is an entry in ClinVar:

NM_001198934.2(ABCC10):c.1512G>A (p.Ala504=)

Gene: ABCC10 (ATP binding cassette subfamily C member 10; plus strand). Cytogenetic location: 6p21.1.
Variant type: single nucleotide variant.
Coding change: c.1512G>A on transcript NM_001198934.2 (MANE Select); coding-DNA position 1512, G replaced by A.
Protein change: p.Ala504=; no amino-acid change (alanine 504 retained).
Molecular consequence: synonymous variant. On other transcripts: non-coding transcript variant (1).
Genome position (GRCh38, 1-based): chr6:43,434,752, G>A. VCF-style: chr6-43434752-G-A. GRCh37 (hg19) VCF-style: chr6-43402490-G-A.
Other names: c.180G>A, p.Ala60= (NM_001350518.2); c.1383G>A, p.Ala461= (NM_033450.3).
Identifiers: ClinVar variation 2656598 (VCV002656598.24), dbSNP rs200774822, ClinGen allele CA3822746.

ClinVar aggregate classification (germline): Likely benign (1 of 4 stars; one submission).

Allele frequency attached by ClinVar (database versions not stated): ESP Exome Variant Server 0.00008; gnomAD 0.00023; ExAC 0.00036; TOPMed 0.00058.
gnomAD v4.1: 402 of 1,614,134 alleles (0.025%); highest among the groups gnomAD compares: Admixed American, 0.14%; 2 homozygotes.

Submission:

CeGaT Center for Human Genetics Tuebingen
Classification: Likely benign. Last evaluated: 2023-03-01. Review status: criteria provided, single submitter. Criteria: CeGaT Center For Human Genetics Tuebingen Variant Classification Criteria Version 2. Collection method: clinical testing. Allele origin: germline. Affected: yes. Observed: 1 variant allele.
Comment: ABCC10: BP4, BP7